The following is an entry in ClinVar:

ClinVar aggregate classification (germline): Conflicting classifications of pathogenicity. Review status: criteria provided, conflicting classifications (1 of 4 stars). 6 submissions from 6 submitters: Uncertain significance (4); Likely benign (1). 1 of the submissions does not count toward it. Last evaluated 2026-01-26.

Conditions:
Inborn genetic diseases. Identifiers: MedGen C0950123, MeSH D030342.
Nemaline myopathy 2 (NEM2). Also called: Nemaline myopathy 2, autosomal recessive. Identifiers: MedGen C1850569, MONDO:0009725, OMIM 256030.

Allele frequency attached by ClinVar (database versions not stated): gnomAD exomes 0.00002; ExAC 0.00004; TOPMed 0.00004.
gnomAD v4.1: 52 of 1,607,222 alleles (0.0032%); highest among the groups gnomAD compares: South Asian, 0.01%; no homozygotes.

Submissions (6):

Labcorp Genetics (formerly Invitae), Labcorp
Classification: Likely benign for Nemaline myopathy 2. Last evaluated: 2026-01-26. Review status: criteria provided, single submitter. Criteria: Invitae Variant Classification Sherloc (09022015). Collection method: clinical testing. Allele origin: germline.

Revvity Omics, Revvity
Classification: Uncertain significance. Last evaluated: 2025-07-17. Review status: criteria provided, single submitter. Criteria: ACMG Guidelines, 2015. Collection method: clinical testing. Allele origin: germline.

Women's Health and Genetics/Laboratory Corporation of America, LabCorp
Classification: Uncertain significance. Last evaluated: 2023-08-03. Review status: criteria provided, single submitter. Criteria: LabCorp Variant Classification Summary - May 2015. Collection method: clinical testing. Allele origin: germline.
Comment: Variant summary: NEB c.24662G>A (p.Arg8221His) results in a non-conservative amino acid change in the encoded protein sequence. Three of five in-silico tools predict a benign effect of the variant on protein function. The variant allele was found at a frequency of 2.1e-05 in 239754 control chromosomes (gnomAD). The available data on variant occurrences in the general population are insufficient to allow any conclusion about variant significance. To our knowledge, no occurrence of c.24662G>A in individuals affected with Nemaline Myopathy 2 and no experimental evidence demonstrating its impact on protein function have been reported. Five ClinVar submitters have assessed the variant since 2014: four classified the variant as uncertain significance and one as likely benign. Based on the evidence outlined above, the variant was classified as uncertain significance.

Ambry Genetics
Classification: Uncertain significance for Inborn genetic diseases. Last evaluated: 2022-06-29. Review status: criteria provided, single submitter. Criteria: Ambry Variant Classification Scheme 2023. Collection method: clinical testing. Allele origin: germline.

GeneDx
Classification: Uncertain significance. Last evaluated: 2019-12-04. Review status: criteria provided, single submitter. Criteria: GeneDx Variant Classification Process June 2021. Collection method: clinical testing. Allele origin: germline. Affected: yes.
Comment: Not observed at a significant frequency in large population cohorts (Lek et al., 2016); In silico analysis, which includes protein predictors and evolutionary conservation, supports a deleterious effect; Has not been previously published as pathogenic or benign to our knowledge

Natera, Inc.
Classification: Uncertain significance for Nemaline myopathy type 2. Last evaluated: 2020-08-07. Review status: no assertion criteria provided. Collection method: clinical testing. Allele origin: germline. Not counted in ClinVar's aggregate classification.

NM_001164508.2(NEB):c.24557G>A (p.Arg8186His)

Genes: NEB (nebulin; minus strand), RIF1 (replication timing regulatory factor 1; plus strand). Cytogenetic location: 2q23.3.
Variant type: single nucleotide variant.
Coding change: c.24557G>A on transcript NM_001164508.2 (MANE Select); coding-DNA position 24557, G replaced by A.
Protein change: p.Arg8186His; replaces arginine 8186 with histidine.
Molecular consequence: missense variant.
Genome position (GRCh38, 1-based): chr2:151,494,183, C>T on the plus strand (G>A on the coding strand, the complement: NEB is on the minus strand). VCF-style: chr2-151494183-C-T. GRCh37 (hg19) VCF-style: chr2-152350697-C-T.
Other names: c.24557G>A, p.Arg8186His (NM_001164507.2); c.24662G>A, p.Arg8221His (NM_001271208.2); c.18989G>A, p.Arg6330His (NM_004543.5); c.18989G>A (NM_004543.4); short protein forms R6330H, R8221H, R8186H.
Identifiers: ClinVar variation 648806 (VCV000648806.18), dbSNP rs759962661, ClinGen allele CA1906001.